The following is an entry in ClinVar:

NM_032043.3(BRIP1):c.3455C>G (p.Thr1152Ser)

Gene: BRIP1 (BRCA1 interacting DNA helicase 1; minus strand). Cytogenetic location: 17q23.2.
Variant type: single nucleotide variant.
Coding change: c.3455C>G on transcript NM_032043.3 (MANE Select); coding-DNA position 3455, C replaced by G.
Protein change: p.Thr1152Ser; replaces threonine 1152 with serine.
Molecular consequence: missense variant.
Genome position (GRCh38, 1-based): chr17:61,683,591, G>C on the plus strand (C>G on the coding strand, the complement: BRIP1 is on the minus strand). VCF-style: chr17-61683591-G-C. GRCh37 (hg19) VCF-style: chr17-59760952-G-C.
Other names: short protein forms T1152S.
Identifiers: ClinVar variation 1731587 (VCV001731587.2), dbSNP rs2144075371, ClinGen allele CA400478688.
Genomic context (GRCh38, chr17:61,683,591, plus strand): 5'-TCAAAAAGGTCTTTAGCTAAAATGCAATCTGAATTGTTAGCCAATCTATTTCCTCTATCA[G>C]TTTCAGCTAGGTCATTTTTTTCTTCATCTGTATCTTCAGGATCATAAAGTTCAGGTGTAA-3'
Protein context (NP_114432.2, residues 1142-1162): TDEEKNDLAE[Thr1152Ser]DRGNRLANNS

ClinVar aggregate classification (germline): Uncertain significance (1 of 4 stars; one submission).

Conditions:
Hereditary cancer-predisposing syndrome. Also called: Neoplastic Syndromes, Hereditary; Tumor predisposition; Hereditary Cancer Syndrome; Hereditary neoplastic syndrome. Identifiers: Orphanet 140162, MedGen C0027672, MeSH D009386, MONDO:0015356.

Submission:

Ambry Genetics
Classification: Uncertain significance for Hereditary cancer-predisposing syndrome. Last evaluated: 2020-04-10. Review status: criteria provided, single submitter. Criteria: Ambry Variant Classification Scheme 2023. Collection method: clinical testing. Allele origin: germline.
Comment: The p.T1152S variant (also known as c.3455C>G), located in coding exon 19 of the BRIP1 gene, results from a C to G substitution at nucleotide position 3455. The threonine at codon 1152 is replaced by serine, an amino acid with similar properties. This amino acid position is not well conserved in available vertebrate species, and serine is the reference amino acid in other vertebrate species. In addition, this alteration is predicted to be tolerated by in silico analysis. Since supporting evidence is limited at this time, the clinical significance of this alteration remains unclear.